The following is an entry in ClinVar:

ClinVar aggregate classification (germline): Conflicting classifications of pathogenicity. Review status: criteria provided, conflicting classifications (1 of 4 stars). 4 submissions from 4 submitters: Pathogenic (2); Uncertain significance (2). Last evaluated 2026-01-08.

Conditions:
Hereditary cancer-predisposing syndrome. Also called: Neoplastic Syndromes, Hereditary; Hereditary neoplastic syndrome; Tumor predisposition; Hereditary Cancer Syndrome. Identifiers: Orphanet 140162, MedGen C0027672, MeSH D009386, MONDO:0015356.
Facial dysmorphism-immunodeficiency-livedo-short stature syndrome. Also called: FILS syndrome; Facial dysmorphism, immunodeficiency, livedo, and short stature. Identifiers: Orphanet 352712, MedGen C3554576, MONDO:0014058, OMIM 615139.

Allele frequency attached by ClinVar (database versions not stated): ExAC 0.00001; gnomAD exomes 0.00001; ESP Exome Variant Server 0.00008.
gnomAD v4.1: 3 of 1,613,710 alleles (0.00019%); highest among the groups gnomAD compares: Non-Finnish European, 0.00025%; no homozygotes.

Submissions (4):

Ambry Genetics
Classification: Uncertain significance for Hereditary cancer-predisposing syndrome. Last evaluated: 2026-01-08. Review status: criteria provided, single submitter. Criteria: Ambry Variant Classification Scheme 2023. Collection method: clinical testing. Allele origin: germline.
Comment: The c.5678+1G>A intronic variant results from a G to A substitution one nucleotide after coding exon 41 of the POLE gene. Alterations that disrupt the canonical splice site are expected to result in aberrant splicing. In silico splice site analysis predicts that this alteration will weaken the native splice donor site and will result in the creation or strengthening of a novel splice donor site. RNA studies have demonstrated that this alteration results in abnormal splicing in the set of samples tested (Ambry internal data). This nucleotide position is highly conserved in available vertebrate species. Although biallelic loss of function of POLE has been associated with autosomal recessive POLE deficiency, haploinsufficiency of POLE has not been established as a mechanism of disease for POLE-related polymerase proofreading-associated polyposis (PPAP) and POLE-related CMMRD-like syndrome. Based on the supporting evidence, this variant is expected to be causative of POLE deficiency when present along with a second pathogenic variant on the other allele; however, its clinical significance for PPAP and POLE-related CMMRD-like syndrome is unclear.

Labcorp Genetics (formerly Invitae), Labcorp
Classification: Pathogenic. Last evaluated: 2025-05-13. Review status: criteria provided, single submitter. Criteria: Invitae Variant Classification Sherloc (09022015). Collection method: clinical testing. Allele origin: germline.
Comment: This sequence change affects a donor splice site in intron 41 of the POLE gene. RNA analysis indicates that disruption of this splice site induces altered splicing and may result in an absent or altered protein product. This variant is present in population databases (rs138748289, gnomAD 0.002%). This variant has not been reported in the literature in individuals affected with POLE-related conditions. ClinVar contains an entry for this variant (Variation ID: 663634). Studies have shown that disruption of this splice site results in activation of a cryptic splice site, and produces a non-functional protein and/or introduces a premature termination codon (internal data). For these reasons, this variant has been classified as Pathogenic.

Women's Health and Genetics/Laboratory Corporation of America, LabCorp
Classification: Pathogenic for Facial dysmorphism-immunodeficiency-livedo-short stature syndrome. Last evaluated: 2024-12-27. Review status: criteria provided, single submitter. Criteria: LabCorp Variant Classification Summary - May 2015. Collection method: clinical testing. Allele origin: germline.
Comment: Variant summary: POLE c.5678+1G>A is located in a canonical splice-site and is predicted to affect mRNA splicing resulting in a significantly altered protein due to either exon skipping, shortening, or inclusion of intronic material. Variants that disrupt the consensus splice site are a relatively common cause of aberrant splicing and loss of POLE function. Several computational tools predict a significant impact on normal splicing: Four predict the variant abolishes a 5 splicing donor site. Studies have shown that disruption of this splice site results in activation of a cryptic splice site and introduces a premature termination codon (Labcorp, formerly Invitae). The resulting mRNA is expected to undergo nonsense-mediated decay. The variant allele was found at a frequency of 8e-06 in 251088 control chromosomes. To our knowledge, no occurrence of c.5678+1G>A in individuals affected with Facial Dysmorphism, Immunodeficiency, Livedo, And Short Stature has been reported. ClinVar contains an entry for this variant (Variation ID: 663634). To our knowledge, this variant has not been reported in individuals with colorectal cancer. Based on the evidence outlined above, the variant was classified as pathogenic for Facial Dysmorphism, Immunodeficiency, Livedo, And Short Stature.

GeneDx
Classification: Uncertain significance. Last evaluated: 2019-08-20. Review status: criteria provided, single submitter. Criteria: GeneDx Variant Classification Process June 2021. Collection method: clinical testing. Allele origin: germline. Affected: yes.
Comment: Not observed at a significant frequency in large population cohorts (Lek et al., 2016); Has not been previously published as pathogenic or benign to our knowledge

NM_006231.4(POLE):c.5678+1G>A

Gene: POLE (DNA polymerase epsilon, catalytic subunit; minus strand). Cytogenetic location: 12q24.33.
Variant type: single nucleotide variant.
Coding change: c.5678+1G>A on transcript NM_006231.4 (MANE Select); the canonical splice donor site of the intron after coding-DNA position 5678, G replaced by A.
Molecular consequence: splice donor variant.
Genome position (GRCh38, 1-based): chr12:132,638,013, C>T on the plus strand (G>A on the coding strand, the complement: POLE is on the minus strand). VCF-style: chr12-132638013-C-T. GRCh37 (hg19) VCF-style: chr12-133214599-C-T.
Identifiers: ClinVar variation 663634 (VCV000663634.17), dbSNP rs138748289, ClinGen allele CA6892442.